The following is an entry in ClinVar:

NM_001008537.3(NEXMIF):c.4150G>A (p.Gly1384Arg)

Gene: NEXMIF (neurite extension and migration factor; minus strand). Cytogenetic location: Xq13.3.
Variant type: single nucleotide variant.
Coding change: c.4150G>A on transcript NM_001008537.3 (MANE Select); coding-DNA position 4150, G replaced by A.
Protein change: p.Gly1384Arg; replaces glycine 1384 with arginine.
Molecular consequence: missense variant.
Genome position (GRCh38, 1-based): chrX:74,740,407, C>T on the plus strand (G>A on the coding strand, the complement: NEXMIF is on the minus strand). VCF-style: chrX-74740407-C-T. GRCh37 (hg19) VCF-style: chrX-73960242-C-T.
Other names: c.4150G>A (NM_001008537.2); short protein forms G1384R.
Identifiers: ClinVar variation 1311728 (VCV001311728.7), dbSNP rs368234158, ClinGen allele CA10454873.

ClinVar aggregate classification (germline): Uncertain significance. Review status: criteria provided, multiple submitters, no conflicts (2 of 4 stars). 3 submissions from 3 submitters: Uncertain significance (3). Last evaluated 2025-09-23.

Allele frequency attached by ClinVar (database versions not stated): gnomAD 0.00001; gnomAD exomes 0.00001; TOPMed 0.00001; ExAC 0.00002; ESP Exome Variant Server 0.00009.
gnomAD v4.1: 10 of 1,209,421 alleles (0.00083%); highest among the groups gnomAD compares: African/African-American, 0.0035%; no homozygotes.

Submissions (3):

Labcorp Genetics (formerly Invitae), Labcorp
Classification: Uncertain significance. Last evaluated: 2025-09-23. Review status: criteria provided, single submitter. Criteria: Invitae Variant Classification Sherloc (09022015). Collection method: clinical testing. Allele origin: germline.
Comment: This sequence change replaces glycine, which is neutral and non-polar, with arginine, which is basic and polar, at codon 1384 of the NEXMIF protein (p.Gly1384Arg). This variant is present in population databases (rs368234158, gnomAD 0.005%), including at least one homozygous and/or hemizygous individual. This variant has not been reported in the literature in individuals affected with NEXMIF-related conditions. ClinVar contains an entry for this variant (Variation ID: 1311728). An algorithm developed to predict the effect of missense changes on protein structure and function (PolyPhen-2) suggests that this variant is likely to be disruptive. In summary, the available evidence is currently insufficient to determine the role of this variant in disease. Therefore, it has been classified as a Variant of Uncertain Significance.

Ambry Genetics
Classification: Uncertain significance. Last evaluated: 2025-04-13. Review status: criteria provided, single submitter. Criteria: Ambry Variant Classification Scheme 2023. Collection method: clinical testing. Allele origin: germline.

GeneDx
Classification: Uncertain significance. Last evaluated: 2020-01-10. Review status: criteria provided, single submitter. Criteria: GeneDx Variant Classification Process June 2021. Collection method: clinical testing. Allele origin: germline. Affected: yes.
Comment: In silico analysis, which includes protein predictors and evolutionary conservation, supports that this variant does not alter protein structure/function; Has not been previously published as pathogenic or benign to our knowledge; In silico analysis, which includes splice predictors, suggests this variant may impact gene splicing. In the absence of RNA/functional studies, the actual effect of this sequence change is unknown.